The following is an entry in ClinVar:

NM_032482.3(DOT1L):c.326A>G (p.His109Arg)

Gene: DOT1L (DOT1 like histone lysine methyltransferase; plus strand). Cytogenetic location: 19p13.3.
Variant type: single nucleotide variant.
Coding change: c.326A>G on transcript NM_032482.3 (MANE Select); coding-DNA position 326, A replaced by G.
Protein change: p.His109Arg; replaces histidine 109 with arginine.
Molecular consequence: missense variant.
Genome position (GRCh38, 1-based): chr19:2,191,073, A>G. VCF-style: chr19-2191073-A-G. GRCh37 (hg19) VCF-style: chr19-2191072-A-G.
Other names: c.326A>G, p.His109Arg (NM_001411141.1); short protein forms H109R.
Identifiers: ClinVar variation 4854600 (VCV004854600.1).

ClinVar aggregate classification (germline): Uncertain significance (1 of 4 stars; one submission).

Conditions:
Nil-Deshwar neurodevelopmental syndrome. Identifiers: MedGen C6012751, MONDO:0979246, OMIM 621265.

Submission:

3billion
Classification: Uncertain significance for Nil-Deshwar neurodevelopmental syndrome. Last evaluated: 2025-08-29. Review status: criteria provided, single submitter. Criteria: ACMG Guidelines, 2015. Collection method: clinical testing. Allele origin: germline. Affected: yes.
Comment: The variant is not observed in the gnomAD v4.1.0 dataset. Predicted Consequence/Location: Missense variant. Missense changes are a common disease-causing mechanism. Damaging effect on gene or gene product predicted by in silico programs is uncertain [REVEL: 0.55 (damaging >=0.6, benign <0.4)]. Therefore, this variant is classified as VUS according to the recommendation of ACMG/AMP guideline.